The following is an entry in ClinVar:

ClinVar aggregate classification (germline): Conflicting classifications of pathogenicity. Review status: criteria provided, conflicting classifications (1 of 4 stars). 2 submissions from 2 submitters: Pathogenic (1); Uncertain significance (1). Last evaluated 2025-01-30.

Conditions:
Developmental and epileptic encephalopathy, 1 (DEE1). Also called: X-linked infantile spasms; West's syndrome; Tonic spasms with clustering, arrest of psychomotor development and hypsarrhythmia on EEG; X-Linked Infantile Spasm Syndrome; INFANTILE SPASM SYNDROME, X-LINKED 1; OHTAHARA SYNDROME, X-LINKED. Identifiers: MedGen C3463992, MONDO:0010632, OMIM 308350. Disease mechanism: loss of function.
Intellectual disability, X-linked, with or without seizures, ARX-related. Also called: MENTAL RETARDATION, X-LINKED 29; MENTAL RETARDATION, X-LINKED 32; MENTAL RETARDATION, X-LINKED 33; MENTAL RETARDATION, X-LINKED 38; MENTAL RETARDATION, X-LINKED 43; MENTAL RETARDATION, X-LINKED 76. Identifiers: Orphanet 777, MedGen C0796244, MONDO:0010317, OMIM 300419.

Submissions (2):

Labcorp Genetics (formerly Invitae), Labcorp
Classification: Pathogenic for Developmental and epileptic encephalopathy, 1; Intellectual disability, X-linked, with or without seizures, ARX-related. Last evaluated: 2025-01-30. Review status: criteria provided, single submitter. Criteria: Invitae Variant Classification Sherloc (09022015). Collection method: clinical testing. Allele origin: germline.
Comment: This sequence change replaces arginine, which is basic and polar, with histidine, which is basic and polar, at codon 384 of the ARX protein (p.Arg384His). This variant is not present in population databases (gnomAD no frequency). This missense change has been observed in individual(s) with ARX-related conditions (PMID: 33951346). In at least one individual the variant was observed to be de novo. ClinVar contains an entry for this variant (Variation ID: 425485). Invitae Evidence Modeling of protein sequence and biophysical properties (such as structural, functional, and spatial information, amino acid conservation, physicochemical variation, residue mobility, and thermodynamic stability) indicates that this missense variant is expected to disrupt ARX protein function with a positive predictive value of 80%. This variant disrupts the p.Arg384 amino acid residue in ARX. Other variant(s) that disrupt this residue have been determined to be pathogenic (PMID: 32383243). This suggests that this residue is clinically significant, and that variants that disrupt this residue are likely to be disease-causing. For these reasons, this variant has been classified as Pathogenic.

CeGaT Center for Human Genetics Tuebingen
Classification: Uncertain significance. Last evaluated: 2016-09-30. Review status: criteria provided, single submitter. Criteria: Praxis fuer Humangenetik Tuebingen - Variant Classification Criteria. Collection method: clinical testing. Allele origin: germline. Affected: yes. Observed: 1 variant allele.

Literature cited by the submitters: PubMed 33951346 (cited by Labcorp Genetics (formerly Invitae), Labcorp); PubMed 32383243 (cited by Labcorp Genetics (formerly Invitae), Labcorp).

NM_139058.3(ARX):c.1151G>A (p.Arg384His)

Gene: ARX (aristaless related homeobox; minus strand). Cytogenetic location: Xp21.3.
Variant type: single nucleotide variant.
Coding change: c.1151G>A on transcript NM_139058.3 (MANE Select); coding-DNA position 1151, G replaced by A.
Protein change: p.Arg384His; replaces arginine 384 with histidine.
Molecular consequence: missense variant.
Genome position (GRCh38, 1-based): chrX:25,007,408, C>T on the plus strand (G>A on the coding strand, the complement: ARX is on the minus strand). VCF-style: chrX-25007408-C-T. GRCh37 (hg19) VCF-style: chrX-25025525-C-T.
Other names: short protein forms R384H.
Identifiers: ClinVar variation 425485 (VCV000425485.4), dbSNP rs1064797362, ClinGen allele CA16621885.